The following is an entry in ClinVar:

ClinVar aggregate classification (germline): Uncertain significance. Review status: criteria provided, multiple submitters, no conflicts (2 of 4 stars). 3 submissions from 3 submitters: Uncertain significance (3). Last evaluated 2024-11-17.

Conditions:
Charcot-Marie-Tooth disease recessive intermediate C. Also called: CHARCOT-MARIE-TOOTH NEUROPATHY, RECESSIVE INTERMEDIATE C. Identifiers: Orphanet 369867, MedGen C3809309, MONDO:0014154, OMIM 615376.
Neuronopathy, distal hereditary motor, autosomal recessive 4. Also called: NEUROPATHY, DISTAL HEREDITARY MOTOR, AUTOSOMAL RECESSIVE 4; Autosomal recessive lower motor neuron disease with childhood onset. Identifiers: Orphanet 206580, MedGen C1970211, MONDO:0012608, OMIM 611067.

Allele frequency attached by ClinVar (database versions not stated): gnomAD exomes below 0.00001; ExAC 0.00002; gnomAD 0.00002; TOPMed 0.00002.
gnomAD v4.1: 8 of 1,613,656 alleles (0.0005%); highest among the groups gnomAD compares: Non-Finnish European, 0.00068%; no homozygotes.

Submissions (3):

Blueprint Genetics
Classification: Uncertain significance. Last evaluated: 2024-11-17. Review status: criteria provided, single submitter. Criteria: ACMG Guidelines, 2015. Collection method: clinical testing. Allele origin: germline.

GeneDx
Classification: Uncertain significance. Last evaluated: 2024-11-10. Review status: criteria provided, single submitter. Criteria: GeneDx Variant Classification Process June 2021. Collection method: clinical testing. Allele origin: germline. Affected: yes.
Comment: Not observed at significant frequency in large population cohorts (gnomAD); In silico analysis supports that this missense variant has a deleterious effect on protein structure/function; Has not been previously published as pathogenic or benign to our knowledge

Labcorp Genetics (formerly Invitae), Labcorp
Classification: Uncertain significance for Neuronopathy, distal hereditary motor, autosomal recessive 4; Charcot-Marie-Tooth disease recessive intermediate C. Last evaluated: 2022-06-21. Review status: criteria provided, single submitter. Criteria: Invitae Variant Classification Sherloc (09022015). Collection method: clinical testing. Allele origin: germline.
Comment: In summary, the available evidence is currently insufficient to determine the role of this variant in disease. Therefore, it has been classified as a Variant of Uncertain Significance. Algorithms developed to predict the effect of missense changes on protein structure and function are either unavailable or do not agree on the potential impact of this missense change (SIFT: "Deleterious"; PolyPhen-2: "Possibly Damaging"; Align-GVGD: "Class C0"). This variant has not been reported in the literature in individuals affected with PLEKHG5-related conditions. This variant is present in population databases (rs200366574, gnomAD 0.004%). This sequence change replaces leucine, which is neutral and non-polar, with arginine, which is basic and polar, at codon 689 of the PLEKHG5 protein (p.Leu689Arg).

NM_020631.6(PLEKHG5):c.2066T>G (p.Leu689Arg)

Gene: PLEKHG5 (pleckstrin homology and RhoGEF domain containing G5; minus strand). Cytogenetic location: 1p36.31.
Variant type: single nucleotide variant.
Coding change: c.2066T>G on transcript NM_020631.6 (MANE Select); coding-DNA position 2066, T replaced by G.
Protein change: p.Leu689Arg; replaces leucine 689 with arginine.
Molecular consequence: missense variant.
Genome position (GRCh38, 1-based): chr1:6,469,225, A>C on the plus strand (T>G on the coding strand, the complement: PLEKHG5 is on the minus strand). VCF-style: chr1-6469225-A-C. GRCh37 (hg19) VCF-style: chr1-6529285-A-C.
Other names: c.2177T>G, p.Leu726Arg (NM_001042663.3, NM_001265592.2); c.2066T>G, p.Leu689Arg (NM_001042664.2, NM_001042665.2, NM_001265594.3 and 1 more transcripts); c.2273T>G, p.Leu758Arg (NM_001265593.2); c.2066T>G (NM_020631.4); short protein forms L726R, L758R, L689R.
Identifiers: ClinVar variation 1897739 (VCV001897739.6), dbSNP rs200366574, ClinGen allele CA561263.